The following is an entry in ClinVar:

ClinVar aggregate classification (germline): Conflicting classifications of pathogenicity. Review status: criteria provided, conflicting classifications (1 of 4 stars). 2 submissions from 2 submitters: Uncertain significance (1); Likely benign (1). Last evaluated 2025-06-03.

Conditions:
Cutis laxa, X-linked (OHS). Also called: EDS IX; Occipital horn syndrome. Identifiers: Orphanet 198, MedGen C0268353, MONDO:0010572, OMIM 304150.
X-linked distal spinal muscular atrophy type 3. Also called: ATP7A-Related Distal Motor Neuropathy; SPINAL MUSCULAR ATROPHY, DISTAL, X-LINKED RECESSIVE; NEUROPATHY, DISTAL HEREDITARY MOTOR, X-LINKED; NEURONOPATHY, DISTAL HEREDITARY MOTOR, X-LINKED. Identifiers: Orphanet 139557, MedGen C1845359, MONDO:0010338, OMIM 300489.
Menkes kinky-hair syndrome (MNK). Also called: Classic Menkes Disease; Copper transport disease; Menkes Disease. Identifiers: Orphanet 565, MedGen C0022716, MONDO:0010651, OMIM 309400.

Allele frequency attached by ClinVar (database versions not stated): ExAC 0.00001; gnomAD exomes 0.00001 and 0.00002; TOPMed 0.00001.
gnomAD v4.1: 4 of 1,211,419 alleles (0.00033%); highest among the groups gnomAD compares: Admixed American, 0.0065%; no homozygotes.

Submissions (2):

Labcorp Genetics (formerly Invitae), Labcorp
Classification: Likely benign for X-linked distal spinal muscular atrophy type 3; Cutis laxa, X-linked; Menkes kinky-hair syndrome. Last evaluated: 2025-06-03. Review status: criteria provided, single submitter. Criteria: Invitae Variant Classification Sherloc (09022015). Collection method: clinical testing. Allele origin: germline.

GeneDx
Classification: Uncertain significance. Last evaluated: 2023-03-15. Review status: criteria provided, single submitter. Criteria: GeneDx Variant Classification Process June 2021. Collection method: clinical testing. Allele origin: germline. Affected: yes.
Comment: In silico analysis supports that this missense variant does not alter protein structure/function; Has not been previously published as pathogenic or benign to our knowledge

NM_000052.7(ATP7A):c.406G>A (p.Ala136Thr)

Gene: ATP7A (ATPase copper transporting alpha; plus strand). Cytogenetic location: Xq21.1.
Variant type: single nucleotide variant.
Coding change: c.406G>A on transcript NM_000052.7 (MANE Select); coding-DNA position 406, G replaced by A.
Protein change: p.Ala136Thr; replaces alanine 136 with threonine.
Molecular consequence: missense variant.
Genome position (GRCh38, 1-based): chrX:77,988,527, G>A. VCF-style: chrX-77988527-G-A. GRCh37 (hg19) VCF-style: chrX-77244023-G-A.
Other names: c.406G>A (NM_000052.4); c.406G>A, p.Ala136Thr (NM_001282224.2); short protein forms A136T.
Identifiers: ClinVar variation 1384985 (VCV001384985.6), dbSNP rs781912401, ClinGen allele CA10458920.